The following is an entry in ClinVar:

NM_001366722.1(GRIP1):c.43C>T (p.Arg15Ter)

Gene: GRIP1 (glutamate receptor interacting protein 1; minus strand). Cytogenetic location: 12q14.3.
Variant type: single nucleotide variant.
Coding change: c.43C>T on transcript NM_001366722.1 (MANE Select); coding-DNA position 43, C replaced by T.
Protein change: p.Arg15Ter; replaces arginine 15 with a stop codon.
Molecular consequence: nonsense. On other transcripts: intron variant (7).
Genome position (GRCh38, 1-based): chr12:66,678,862, G>A on the plus strand (C>T on the coding strand, the complement: GRIP1 is on the minus strand). VCF-style: chr12-66678862-G-A. GRCh37 (hg19) VCF-style: chr12-67072642-G-A.
Other names: c.43C>T, p.Arg15Ter (NM_001178074.2, NM_001379346.1, NM_021150.4); c.59-81935C>T (NM_001379351.1, NM_001379349.1); c.134-81935C>T (NM_001379348.1, NM_001366723.1, NM_001379347.1 and 2 more transcripts); short protein forms R15*.
Identifiers: ClinVar variation 2978523 (VCV002978523.4), dbSNP rs138258055, ClinGen allele CA6674780.

ClinVar aggregate classification (germline): Conflicting classifications of pathogenicity. Review status: criteria provided, conflicting classifications (1 of 4 stars). 2 submissions from 2 submitters: Pathogenic (1); Uncertain significance (1). Last evaluated 2024-02-28.

Conditions:
Fraser syndrome 3. Identifiers: MedGen C4540040, MONDO:0054739, OMIM 617667.

Allele frequency attached by ClinVar (database versions not stated): TOPMed 0.00002; ExAC 0.00003; gnomAD 0.00003; gnomAD exomes 0.00003; ESP Exome Variant Server 0.00008; 1000 Genomes Project 30x 0.00016; 1000 Genomes Project 0.00020.
gnomAD v4.1: 44 of 1,613,264 alleles (0.0027%); highest among the groups gnomAD compares: Non-Finnish European, 0.0035%; no homozygotes.

Submissions (2):

Fulgent Genetics
Classification: Uncertain significance for Fraser syndrome 3. Last evaluated: 2024-02-28. Review status: criteria provided, single submitter. Criteria: ACMG Guidelines, 2015. Collection method: clinical testing. Allele origin: germline.

Labcorp Genetics (formerly Invitae), Labcorp
Classification: Pathogenic. Last evaluated: 2024-02-17. Review status: criteria provided, single submitter. Criteria: Invitae Variant Classification Sherloc (09022015). Collection method: clinical testing. Allele origin: germline.
Comment: This sequence change creates a premature translational stop signal (p.Arg15*) in the GRIP1 gene. It is expected to result in an absent or disrupted protein product. Loss-of-function variants in GRIP1 are known to be pathogenic (PMID: 22510445, 24357607). This variant is present in population databases (rs138258055, gnomAD 0.004%). This variant has not been reported in the literature in individuals affected with GRIP1-related conditions. For these reasons, this variant has been classified as Pathogenic.

Literature cited by the submitters: PubMed 22510445 (cited by Labcorp Genetics (formerly Invitae), Labcorp); PubMed 24357607 (cited by Labcorp Genetics (formerly Invitae), Labcorp).